The following is an entry in ClinVar:

ClinVar aggregate classification (germline): Benign. Review status: criteria provided, multiple submitters, no conflicts (2 of 4 stars). 7 submissions from 7 submitters: Benign (7). Last evaluated 2026-05-08.

Conditions:
3M syndrome 2. Also called: 3-M Syndrome, OBSL1-Related; THREE M SYNDROME 2. Identifiers: Orphanet 2616, MedGen C2752041, MONDO:0013039, OMIM 612921.

Allele frequency attached by ClinVar (database versions not stated): 1000 Genomes Project 30x 0.16755; 1000 Genomes Project 0.17093; TOPMed 0.18280; gnomAD 0.18910; ESP Exome Variant Server 0.19512.
gnomAD v4.1: 378,307 of 1,609,902 alleles (23%); highest among the groups gnomAD compares: South Asian, 30%; 46,655 homozygotes.

Submissions (7):

Women's Health and Genetics/Laboratory Corporation of America, LabCorp
Classification: Benign. Last evaluated: 2026-05-08. Review status: criteria provided, single submitter. Criteria: LabCorp Variant Classification Summary - May 2015. Collection method: clinical testing. Allele origin: germline.

Labcorp Genetics (formerly Invitae), Labcorp
Classification: Benign. Last evaluated: 2026-02-04. Review status: criteria provided, single submitter. Criteria: Invitae Variant Classification Sherloc (09022015). Collection method: clinical testing. Allele origin: germline.

Blueprint Genetics
Classification: Benign. Last evaluated: 2024-11-26. Review status: criteria provided, single submitter. Criteria: ACMG Guidelines, 2015. Collection method: clinical testing. Allele origin: germline.

Genome-Nilou Lab
Classification: Benign for 3M syndrome 2. Last evaluated: 2021-09-05. Review status: criteria provided, single submitter. Criteria: ACMG Guidelines, 2015. Collection method: clinical testing. Allele origin: germline. Affected: no.

GeneDx
Classification: Benign. Last evaluated: 2021-06-09. Review status: criteria provided, single submitter. Criteria: GeneDx Variant Classification Process June 2021. Collection method: clinical testing. Allele origin: germline. Affected: yes.

Illumina Laboratory Services, Illumina
Classification: Benign for 3M syndrome 2. Last evaluated: 2018-01-13. Review status: criteria provided, single submitter. Criteria: ICSL Variant Classification Criteria 13 December 2019. Collection method: clinical testing. Allele origin: germline.
Comment: This variant was observed in the ICSL laboratory as part of a predisposition screen in an ostensibly healthy population. It had not been previously curated by ICSL or reported in the Human Gene Mutation Database (HGMD: prior to June 1st, 2018), and was therefore a candidate for classification through an automated scoring system. Utilizing variant allele frequency, disease prevalence and penetrance estimates, and inheritance mode, an automated score was calculated to assess if this variant is too frequent to cause the disease. Based on the score and internal cut-off values, a variant classified as benign is not then subjected to further curation. The score for this variant resulted in a classification of benign for this disease.

Breakthrough Genomics
Classification: Benign. Review status: criteria provided, single submitter. Criteria: ACMG Guidelines, 2015. Collection method: not provided. Allele origin: germline. Inheritance: Autosomal recessive inheritance. Affected: yes.

NM_015311.3(OBSL1):c.2055C>A (p.Ala685=)

Gene: OBSL1 (obscurin like cytoskeletal adaptor 1; minus strand). Cytogenetic location: 2q35.
Variant type: single nucleotide variant.
Coding change: c.2055C>A on transcript NM_015311.3 (MANE Select); coding-DNA position 2055, C replaced by A.
Protein change: p.Ala685=; no amino-acid change (alanine 685 retained).
Molecular consequence: synonymous variant.
Genome position (GRCh38, 1-based): chr2:219,566,909, G>T on the plus strand (C>A on the coding strand, the complement: OBSL1 is on the minus strand). VCF-style: chr2-219566909-G-T. GRCh37 (hg19) VCF-style: chr2-220431631-G-T.
Other names: c.2055C>A, p.Ala685= (NM_001173408.2, NM_001173431.2).
Identifiers: ClinVar variation 334512 (VCV000334512.19), dbSNP rs1043537, ClinGen allele CA2131348.